The following is an entry in ClinVar:

NM_006231.4(POLE):c.749G>A (p.Gly250Glu)

Gene: POLE (DNA polymerase epsilon, catalytic subunit; minus strand). Cytogenetic location: 12q24.33.
Variant type: single nucleotide variant.
Coding change: c.749G>A on transcript NM_006231.4 (MANE Select); coding-DNA position 749, G replaced by A.
Protein change: p.Gly250Glu; replaces glycine 250 with glutamic acid.
Molecular consequence: missense variant.
Genome position (GRCh38, 1-based): chr12:132,677,415, C>T on the plus strand (G>A on the coding strand, the complement: POLE is on the minus strand). VCF-style: chr12-132677415-C-T. GRCh37 (hg19) VCF-style: chr12-133254001-C-T.
Other names: c.749G>A (NM_006231.2); short protein forms G250E.
Identifiers: ClinVar variation 849248 (VCV000849248.10), dbSNP rs2043078954, ClinGen allele CA387364503.

ClinVar aggregate classification (germline): Uncertain significance. Review status: criteria provided, multiple submitters, no conflicts (2 of 4 stars). 3 submissions from 3 submitters: Uncertain significance (3). Last evaluated 2025-09-22.

Conditions:
Hereditary cancer-predisposing syndrome. Also called: Tumor predisposition; Neoplastic Syndromes, Hereditary; Hereditary neoplastic syndrome; Hereditary Cancer Syndrome. Identifiers: Orphanet 140162, MedGen C0027672, MeSH D009386, MONDO:0015356.

Allele frequency attached by ClinVar (database versions not stated): gnomAD 0.00001; gnomAD exomes 0.00001.
gnomAD v4.1: 4 of 1,614,112 alleles (0.00025%); highest among the groups gnomAD compares: Middle Eastern, 0.017%; no homozygotes.

Submissions (3):

Labcorp Genetics (formerly Invitae), Labcorp
Classification: Uncertain significance. Last evaluated: 2025-09-22. Review status: criteria provided, single submitter. Criteria: Invitae Variant Classification Sherloc (09022015). Collection method: clinical testing. Allele origin: germline.
Comment: This sequence change replaces glycine, which is neutral and non-polar, with glutamic acid, which is acidic and polar, at codon 250 of the POLE protein (p.Gly250Glu). This variant is not present in population databases (gnomAD no frequency). This variant has not been reported in the literature in individuals affected with POLE-related conditions. ClinVar contains an entry for this variant (Variation ID: 849248). Invitae Evidence Modeling of protein sequence and biophysical properties (such as structural, functional, and spatial information, amino acid conservation, physicochemical variation, residue mobility, and thermodynamic stability) indicates that this missense variant is not expected to disrupt POLE protein function with a negative predictive value of 80%. In summary, the available evidence is currently insufficient to determine the role of this variant in disease. Therefore, it has been classified as a Variant of Uncertain Significance.

ARUP Laboratories, Molecular Genetics and Genomics, ARUP Laboratories
Classification: Uncertain significance. Last evaluated: 2023-08-07. Review status: criteria provided, single submitter. Criteria: ARUP Molecular Germline Variant Investigation Process 2024. Collection method: clinical testing. Allele origin: germline.
Comment: The POLE c.749G>A; p.Gly250Glu variant (rs2043078954), to our knowledge, is not reported in the medical literature but is reported in ClinVar (Variation ID: 849248). This variant is also absent from the Genome Aggregation Database, indicating it is not a common polymorphism. Computational analyses are uncertain whether this variant is neutral or deleterious (REVEL: 0.261). This variant is located within the exonuclease domain (Palles 2013), and variants within this domain have been reported to be disease-causing (Seifert 2019). However, due to limited information, the clinical significance of this variant is uncertain at this time. References: Palles C et al. Germline mutations affecting the proofreading domains of POLE and POLD1 predispose to colorectal adenomas and carcinomas. Nat Genet. 2013 Feb;45(2):136-44. PMID: 23263490.

Ambry Genetics
Classification: Uncertain significance for Hereditary cancer-predisposing syndrome. Last evaluated: 2023-06-09. Review status: criteria provided, single submitter. Criteria: Ambry Variant Classification Scheme 2023. Collection method: clinical testing. Allele origin: germline.
Comment: The p.G250E variant (also known as c.749G>A), located in coding exon 8 of the POLE gene, results from a G to A substitution at nucleotide position 749. The glycine at codon 250 is replaced by glutamic acid, an amino acid with similar properties. This amino acid position is conserved. In addition, this alteration is predicted to be tolerated by in silico analysis. Since supporting evidence is limited at this time, the clinical significance of this alteration remains unclear.